The following is an entry in ClinVar:

NM_030665.4(RAI1):c.852G>A (p.Gln284=)

Gene: RAI1 (retinoic acid induced 1; plus strand). Cytogenetic location: 17p11.2.
Variant type: single nucleotide variant.
Coding change: c.852G>A on transcript NM_030665.4 (MANE Select); coding-DNA position 852, G replaced by A.
Protein change: p.Gln284=; no amino-acid change (glutamine 284 retained).
Molecular consequence: synonymous variant.
Genome position (GRCh38, 1-based): chr17:17,793,800, G>A. VCF-style: chr17-17793800-G-A. GRCh37 (hg19) VCF-style: chr17-17697114-G-A.
Identifiers: ClinVar variation 1576203 (VCV001576203.32), dbSNP rs1044807296, ClinGen allele CA288367387.

ClinVar aggregate classification (germline): Likely benign. Review status: criteria provided, multiple submitters, no conflicts (2 of 4 stars). 2 submissions from 2 submitters: Likely benign (2). Last evaluated 2026-01-01.

Submissions (2):

Labcorp Genetics (formerly Invitae), Labcorp
Classification: Likely benign. Last evaluated: 2026-01-01. Review status: criteria provided, single submitter. Criteria: Invitae Variant Classification Sherloc (09022015). Collection method: clinical testing. Allele origin: germline.

CeGaT Center for Human Genetics Tuebingen
Classification: Likely benign. Last evaluated: 2025-12-01. Review status: criteria provided, single submitter. Criteria: CeGaT Center For Human Genetics Tuebingen Variant Classification Criteria Version 2. Collection method: clinical testing. Allele origin: germline. Affected: yes. Observed: 3 variant alleles.
Comment: RAI1: PM2:Supporting, BP4, BP7